The following is an entry in ClinVar:

ClinVar aggregate classification (germline): Pathogenic/Likely pathogenic. Review status: criteria provided, multiple submitters, no conflicts (2 of 4 stars). 4 submissions from 4 submitters: Pathogenic (1); Likely pathogenic (3). Last evaluated 2024-08-08.

Conditions:
Combined malonic and methylmalonic acidemia. Identifiers: Orphanet 289504, MedGen C3280314, MONDO:0013661, OMIM 614265.

Allele frequency attached by ClinVar (database versions not stated): TOPMed below 0.00001; ExAC 0.00002; gnomAD exomes 0.00002.
gnomAD v4.1: 5 of 1,601,562 alleles (0.00031%); highest among the groups gnomAD compares: Admixed American, 0.0087%; no homozygotes.

Submissions (4):

Natera, Inc.
Classification: Likely pathogenic for Combined malonic and methylmalonic aciduria. Last evaluated: 2024-08-08. Review status: criteria provided, single submitter. Criteria: Natera Variant Classification Schema (03/2026). Collection method: clinical testing. Allele origin: germline.
Comment: The c.576G>A variant in ACSF3 is a nonsense variant predicted to introduce a stop codon at amino acid 192. This variant is expected to result in nonsense mediated decay, truncation, or a dysfunctional protein product. This variant is rare in the general population with a frequency below the threshold expected for the associated phenotype(s). Given the available evidence, this variant is classified as Likely Pathogenic.

Fulgent Genetics
Classification: Likely pathogenic for Combined malonic and methylmalonic acidemia. Last evaluated: 2024-04-11. Review status: criteria provided, single submitter. Criteria: ACMG Guidelines, 2015. Collection method: clinical testing. Allele origin: germline.

Baylor Genetics
Classification: Likely pathogenic for Combined malonic and methylmalonic acidemia. Last evaluated: 2024-03-21. Review status: criteria provided, single submitter. Criteria: ACMG Guidelines, 2015. Collection method: clinical testing. Allele origin: unknown.

Labcorp Genetics (formerly Invitae), Labcorp
Classification: Pathogenic for Combined malonic and methylmalonic acidemia. Last evaluated: 2023-11-17. Review status: criteria provided, single submitter. Criteria: Invitae Variant Classification Sherloc (09022015). Collection method: clinical testing. Allele origin: germline.
Comment: This sequence change creates a premature translational stop signal (p.Trp192*) in the ACSF3 gene. It is expected to result in an absent or disrupted protein product. Loss-of-function variants in ACSF3 are known to be pathogenic (PMID: 21841779, 26827111). The frequency data for this variant in the population databases is considered unreliable, as metrics indicate poor data quality at this position in the gnomAD database. This variant has not been reported in the literature in individuals affected with ACSF3-related conditions. ClinVar contains an entry for this variant (Variation ID: 1071765). For these reasons, this variant has been classified as Pathogenic.

Literature cited by the submitters: PubMed 21841779 (cited by Labcorp Genetics (formerly Invitae), Labcorp); PubMed 26827111 (cited by Labcorp Genetics (formerly Invitae), Labcorp).

NM_001243279.3(ACSF3):c.576G>A (p.Trp192Ter)

Gene: ACSF3 (acyl-CoA synthetase family member 3; plus strand). Cytogenetic location: 16q24.3.
Variant type: single nucleotide variant.
Coding change: c.576G>A on transcript NM_001243279.3 (MANE Select); coding-DNA position 576, G replaced by A.
Protein change: p.Trp192Ter; replaces tryptophan 192 with a stop codon.
Molecular consequence: nonsense. On other transcripts: non-coding transcript variant (3), intron variant (1).
Genome position (GRCh38, 1-based): chr16:89,101,257, G>A. VCF-style: chr16-89101257-G-A. GRCh37 (hg19) VCF-style: chr16-89167665-G-A.
Other names: c.576G>A, p.Trp192Ter (NM_001127214.4, NM_174917.5); c.-129-1347G>A (NM_001284316.2); c.576G>A (NM_174917.4); short protein forms W192*.
Identifiers: ClinVar variation 1071765 (VCV001071765.11), dbSNP rs771558691, ClinGen allele CA8237695.